The following is an entry in ClinVar:

ClinVar aggregate classification (germline): Uncertain significance. Review status: criteria provided, multiple submitters, no conflicts (2 of 4 stars). 2 submissions from 2 submitters: Uncertain significance (2). Last evaluated 2022-05-13.

Conditions:
Hereditary cancer-predisposing syndrome. Also called: Neoplastic Syndromes, Hereditary; Hereditary Cancer Syndrome; Hereditary neoplastic syndrome; Tumor predisposition. Identifiers: Orphanet 140162, MedGen C0027672, MeSH D009386, MONDO:0015356.
Mitochondrial complex II deficiency, nuclear type 1. Also called: SUCCINATE CoQ REDUCTASE DEFICIENCY. Identifiers: Orphanet 3208, MedGen C5700310, MONDO:0100294, OMIM 252011.
Pheochromocytoma/paraganglioma syndrome 5. Also called: Paragangliomas 5; SDHA-Related Hereditary Paraganglioma-Pheochromocytoma Syndrome. Identifiers: Orphanet 29072, MedGen C3279992, MONDO:0013602, OMIM 614165.

Submissions (2):

Ambry Genetics
Classification: Uncertain significance for Hereditary cancer-predisposing syndrome. Last evaluated: 2022-05-13. Review status: criteria provided, single submitter. Criteria: Ambry Variant Classification Scheme 2023. Collection method: clinical testing. Allele origin: germline.
Comment: The p.C191R variant (also known as c.571T>C), located in coding exon 5 of the SDHA gene, results from a T to C substitution at nucleotide position 571. The cysteine at codon 191 is replaced by arginine, an amino acid with highly dissimilar properties. This amino acid position is highly conserved in available vertebrate species. In addition, this alteration is predicted to be deleterious by in silico analysis. Since supporting evidence is limited at this time, the clinical significance of this alteration remains unclear.

Labcorp Genetics (formerly Invitae), Labcorp
Classification: Uncertain significance for Pheochromocytoma/paraganglioma syndrome 5; Mitochondrial complex II deficiency, nuclear type 1. Last evaluated: 2021-07-25. Review status: criteria provided, single submitter. Criteria: Invitae Variant Classification Sherloc (09022015). Collection method: clinical testing. Allele origin: germline.
Comment: Advanced modeling of protein sequence and biophysical properties (such as structural, functional, and spatial information, amino acid conservation, physicochemical variation, residue mobility, and thermodynamic stability) performed at Invitae indicates that this missense variant is not expected to disrupt SDHA protein function. This variant has not been reported in the literature in individuals affected with SDHA-related conditions. This variant is not present in population databases (ExAC no frequency). This sequence change replaces cysteine with arginine at codon 191 of the SDHA protein (p.Cys191Arg). The cysteine residue is highly conserved and there is a large physicochemical difference between cysteine and arginine. In summary, the available evidence is currently insufficient to determine the role of this variant in disease. Therefore, it has been classified as a Variant of Uncertain Significance.

NM_004168.4(SDHA):c.571T>C (p.Cys191Arg)

Gene: SDHA (succinate dehydrogenase complex flavoprotein subunit A; plus strand). Cytogenetic location: 5p15.33.
Variant type: single nucleotide variant.
Coding change: c.571T>C on transcript NM_004168.4 (MANE Select); coding-DNA position 571, T replaced by C.
Protein change: p.Cys191Arg; replaces cysteine 191 with arginine.
Molecular consequence: missense variant.
Genome position (GRCh38, 1-based): chr5:225,997, T>C. VCF-style: chr5-225997-T-C. GRCh37 (hg19) VCF-style: chr5-226112-T-C.
Other names: c.427T>C, p.Cys143Arg (NM_001294332.2); c.571T>C, p.Cys191Arg (NM_001330758.2); c.571T>C (NM_004168.2); short protein forms C191R, C143R.
Identifiers: ClinVar variation 1468988 (VCV001468988.9), dbSNP rs2126550176, ClinGen allele CA359010500.